The following is an entry in ClinVar:

NM_001134407.3(GRIN2A):c.665T>A (p.Ile222Asn)

Gene: GRIN2A (glutamate ionotropic receptor NMDA type subunit 2A; minus strand). Cytogenetic location: 16p13.2.
Variant type: single nucleotide variant.
Coding change: c.665T>A on transcript NM_001134407.3 (MANE Select); coding-DNA position 665, T replaced by A.
Protein change: p.Ile222Asn; replaces isoleucine 222 with asparagine.
Molecular consequence: missense variant.
Genome position (GRCh38, 1-based): chr16:9,938,301, A>T on the plus strand (T>A on the coding strand, the complement: GRIN2A is on the minus strand). VCF-style: chr16-9938301-A-T. GRCh37 (hg19) VCF-style: chr16-10032158-A-T.
Other names: c.665T>A, p.Ile222Asn (NM_000833.5, NM_001134408.2); short protein forms I222N.
Identifiers: ClinVar variation 5018427 (VCV005018427.1).

ClinVar aggregate classification (germline): Uncertain significance (1 of 4 stars; one submission).

Submission:

GeneDx
Classification: Uncertain significance. Last evaluated: 2026-04-11. Review status: criteria provided, single submitter. Criteria: GeneDx Variant Classification Process June 2021. Collection method: clinical testing. Allele origin: germline.
Comment: Not observed at significant frequency in large population cohorts (gnomAD); In silico analysis supports that this missense variant has a deleterious effect on protein structure/function; Has not been previously published as pathogenic or benign to our knowledge